The following is an entry in ClinVar:

ClinVar aggregate classification (germline): Uncertain significance. Review status: criteria provided, multiple submitters, no conflicts (2 of 4 stars). 2 submissions from 2 submitters: Uncertain significance (2). Last evaluated 2025-08-24.

Conditions:
SCAPER-related disorder. Also called: SCAPER-related condition.

gnomAD v4.1: 75 of 1,607,008 alleles (0.0047%); highest among the groups gnomAD compares: Non-Finnish European, 0.0063%; no homozygotes.

Submissions (2):

PreventionGenetics, part of Exact Sciences
Classification: Uncertain significance for SCAPER-related condition. Last evaluated: 2025-08-24. Review status: criteria provided, single submitter. Criteria: ACMG Guidelines, 2015. Collection method: clinical testing. Allele origin: germline.
Comment: The SCAPER c.3999C>G variant is predicted to result in the amino acid substitution p.Asn1333Lys. To our knowledge, this variant has not been reported in the literature. This variant is reported in 0.0036% of alleles in individuals of European (Non-Finnish) descent in gnomAD. At this time, the clinical significance of this variant is uncertain due to the absence of conclusive functional and genetic evidence.

Blueprint Genetics
Classification: Uncertain significance. Last evaluated: 2023-12-27. Review status: criteria provided, single submitter. Criteria: ACMG Guidelines, 2015. Collection method: clinical testing. Allele origin: germline.

NM_020843.4(SCAPER):c.3981C>G (p.Asn1327Lys)

Gene: SCAPER (S-phase cyclin A associated protein in the ER; minus strand). Cytogenetic location: 15q24.3.
Variant type: single nucleotide variant.
Coding change: c.3981C>G on transcript NM_020843.4 (MANE Select); coding-DNA position 3981, C replaced by G.
Protein change: p.Asn1327Lys; replaces asparagine 1327 with lysine.
Molecular consequence: missense variant. On other transcripts: non-coding transcript variant (1).
Genome position (GRCh38, 1-based): chr15:76,354,015, G>C on the plus strand (C>G on the coding strand, the complement: SCAPER is on the minus strand). VCF-style: chr15-76354015-G-C. GRCh37 (hg19) VCF-style: chr15-76646356-G-C.
Other names: c.3999C>G (NM_001353009.1); c.3243C>G, p.Asn1081Lys (NM_001145923.2); c.3999C>G, p.Asn1333Lys (NM_001353009.2); c.3579C>G, p.Asn1193Lys (NM_001353010.2, NM_001353012.2); c.3597C>G, p.Asn1199Lys (NM_001353011.2); short protein forms N1081K, N1327K, N1333K, N1193K, N1199K.
Identifiers: ClinVar variation 4925917 (VCV004925917.2).